The following is an entry in ClinVar:

ClinVar aggregate classification (germline): Pathogenic. Review status: reviewed by expert panel (3 of 4 stars). 6 submissions from 6 submitters: Pathogenic (1). 5 of the submissions do not count toward it. Last evaluated 2016-10-18.

Conditions:
Hereditary cancer-predisposing syndrome. Also called: Hereditary Cancer Syndrome; Hereditary neoplastic syndrome; Neoplastic Syndromes, Hereditary; Tumor predisposition. Identifiers: Orphanet 140162, MedGen C0027672, MeSH D009386, MONDO:0015356.
Hereditary breast ovarian cancer syndrome. Also called: BRCA1- and BRCA2-Associated Hereditary Breast and Ovarian Cancer; Hereditary breast and ovarian cancer syndrome; Hereditary breast and ovarian cancer syndrome (HBOC); Breast and ovarian cancer; Hereditary breast and/or ovarian cancer syndrome; Hereditary breast and ovarian cancer. Identifiers: Orphanet 145, MedGen C0677776, MeSH D061325, MONDO:0003582. Disease mechanism: loss of function.
Breast-ovarian cancer, familial, susceptibility to, 1 (BROVCA1). Also called: BRCA1 Hereditary Breast and Ovarian Cancer; OVARIAN CANCER, SUSCEPTIBILITY TO. Identifiers: Orphanet 145, MedGen C2676676, MONDO:0011450, OMIM 604370. Disease mechanism: loss of function.

Submissions (6):

Evidence-based Network for the Interpretation of Germline Mutant Alleles (ENIGMA)
Classification: Pathogenic for Breast-ovarian cancer, familial, susceptibility to, 1. Last evaluated: 2016-10-18. Review status: reviewed by expert panel. Criteria: ENIGMA BRCA1/2 Classification Criteria (2015). Collection method: curation. Allele origin: germline.
Comment: Variant allele predicted to encode a truncated non-functional protein.

Labcorp Genetics (formerly Invitae), Labcorp
Classification: Pathogenic for Hereditary breast ovarian cancer syndrome. Last evaluated: 2026-01-20. Review status: criteria provided, single submitter. Criteria: Invitae Variant Classification Sherloc (09022015). Collection method: clinical testing. Allele origin: germline. Not counted in ClinVar's aggregate classification.
Comment: This sequence change creates a premature translational stop signal (p.Gln1323Lysfs*2) in the BRCA1 gene. It is expected to result in an absent or disrupted protein product. Loss-of-function variants in BRCA1 are known to be pathogenic (PMID: 20104584). This variant is not present in population databases (gnomAD no frequency). This premature translational stop signal has been observed in individual(s) with BRCA1-related conditions (PMID: 12938098, 28888541). ClinVar contains an entry for this variant (Variation ID: 55063). Algorithms developed to predict the effect of sequence changes on RNA splicing suggest that this variant may disrupt the consensus splice site. For these reasons, this variant has been classified as Pathogenic.

Ambry Genetics
Classification: Pathogenic for Hereditary cancer-predisposing syndrome. Last evaluated: 2023-01-09. Review status: criteria provided, single submitter. Criteria: Ambry Variant Classification Scheme 2023. Collection method: clinical testing. Allele origin: germline. Not counted in ClinVar's aggregate classification.
Comment: The c.3967delC pathogenic mutation, located in coding exon 9 of the BRCA1 gene, results from a deletion of one nucleotide at nucleotide position 3967, causing a translational frameshift with a predicted alternate stop codon (p.Q1323Kfs*2). This alteration was reported in one German breast and ovarian cancer family (Meyer P et al. Hum. Mutat. 2003 Sep; 22(3):259). In addition to the clinical data presented in the literature, this alteration is expected to result in loss of function by premature protein truncation or nonsense-mediated mRNA decay. As such, this alteration is interpreted as a disease-causing mutation.

GeneDx
Classification: Pathogenic. Last evaluated: 2018-08-16. Review status: criteria provided, single submitter. Criteria: GeneDx Variant Classification (06012015). Collection method: clinical testing. Allele origin: germline. Affected: yes. Not counted in ClinVar's aggregate classification.
Comment: This deletion of one nucleotide in BRCA1 is denoted c.3967delC at the cDNA level and p.Gln1323LysfsX2 (Q1323KfsX2) at the protein level. The normal sequence, with the base that is deleted in brackets, is CAAA[delC]AAAT. The deletion causes a frameshift which changes a Glutamine to a Lysine at codon 1323, and creates a premature stop codon at position 2 of the new reading frame. This variant is predicted to cause loss of normal protein function through either protein truncation or nonsense-mediated mRNA decay. Also reported as BRCA1 c.4086delC using alternate nomenclature, this variant has been observed in at least one individual with a family history of breast and ovarian cancer (Meyer 2003). We consider this variant to be pathogenic.

Quest Diagnostics Nichols Institute San Juan Capistrano
Classification: Pathogenic. Last evaluated: 2017-11-03. Review status: criteria provided, single submitter. Criteria: Quest Diagnostics criteria. Collection method: clinical testing. Allele origin: germline. Not counted in ClinVar's aggregate classification.

Consortium of Investigators of Modifiers of BRCA1/2 (CIMBA), c/o University of Cambridge
Classification: Pathogenic for Breast-ovarian cancer, familial, susceptibility to, 1. Last evaluated: 2015-10-02. Review status: criteria provided, single submitter. Criteria: CIMBA Mutation Classification guidelines May 2016. Collection method: clinical testing. Allele origin: germline. Not counted in ClinVar's aggregate classification.

Literature cited by the submitters: PubMed 20104584 (cited by Labcorp Genetics (formerly Invitae), Labcorp); PubMed 12938098 (cited by Labcorp Genetics (formerly Invitae), Labcorp and Ambry Genetics); PubMed 28888541 (cited by Labcorp Genetics (formerly Invitae), Labcorp).

NM_007294.4(BRCA1):c.3967del (p.Gln1323fs)

Genes: BRCA1 (BRCA1 DNA repair associated; minus strand), LOC126862571 (BRD4-independent group 4 enhancer GRCh37_chr17:41243136-41244335; plus strand). Cytogenetic location: 17q21.31.
Variant type: Deletion.
Coding change: c.3967del on transcript NM_007294.4 (MANE Select); coding-DNA position 3967, one base deleted (C; older notation c.3967delC).
Protein change: p.Gln1323fs; shifts the reading frame from glutamine 1323.
Molecular consequence: frameshift variant. On other transcripts: intron variant (135).
Genome position (GRCh38, 1-based): chr17:43,091,564, G deleted on the plus strand (C on the coding strand, the reverse complement: BRCA1 is on the minus strand). VCF-style (leftmost placement, unchanged base first): chr17-43091563-TG-T. GRCh37 (hg19) VCF-style: chr17-41243580-TG-T.
Other names: 4086delC; c.3826del, p.Gln1276fs (NM_007297.4, NM_001407692.1, NM_001407694.1 and 29 more transcripts); c.3967del, p.Gln1323fs (NM_007300.4, NM_001407581.1, NM_001407582.1 and 30 more transcripts); c.647-532del (NM_001408458.1, NM_001408469.1, NM_001408453.1 and 11 more transcripts); c.284-532del (NM_001408512.1); c.407-532del (NM_001408510.1); c.644-532del (NM_001408470.1, NM_001408464.1, NM_001408468.1 and 3 more transcripts); c.785-532del (NM_001408397.1, NM_001408401.1, NM_001408396.1 and 13 more transcripts); and 42 more; short protein forms Q1323fs, Q1276fs, Q1211fs, Q1235fs, Q1255fs, Q1297fs, Q1320fs, Q455fs.
Identifiers: ClinVar variation 55063 (VCV000055063.17), dbSNP rs397509122, ClinGen allele CA002543.